The following is an entry in ClinVar:

NM_001374736.1(DST):c.3524C>G (p.Thr1175Ser)

Gene: DST (dystonin; minus strand). Cytogenetic location: 6p12.1.
Variant type: single nucleotide variant.
Coding change: c.3524C>G on transcript NM_001374736.1 (MANE Select); coding-DNA position 3524, C replaced by G.
Protein change: p.Thr1175Ser; replaces threonine 1175 with serine.
Molecular consequence: missense variant.
Genome position (GRCh38, 1-based): chr6:56,634,229, G>C on the plus strand (C>G on the coding strand, the complement: DST is on the minus strand). VCF-style: chr6-56634229-G-C. GRCh37 (hg19) VCF-style: chr6-56499027-G-C.
Other names: c.3425C>G, p.Thr1142Ser (NM_001144769.5); c.3011C>G, p.Thr1004Ser (NM_001144770.2); c.3524C>G, p.Thr1175Ser (NM_001374722.1); c.2891C>G, p.Thr964Ser (NM_001374729.1, NM_001374730.1, NM_001386100.1 and 1 more transcripts); c.3551C>G, p.Thr1184Ser (NM_001374734.1); c.1913C>G, p.Thr638Ser (NM_001723.7, NM_015548.5); short protein forms T1004S, T964S, T1142S, T1175S, T638S, T1184S.
Identifiers: ClinVar variation 859881 (VCV000859881.10), dbSNP rs2098807444, ClinGen allele CA364575740.

ClinVar aggregate classification (germline): Uncertain significance (1 of 4 stars; one submission).

Conditions:
Epidermolysis bullosa simplex 3, localized or generalized intermediate, with BP230 deficiency (EBS3). Also called: Epidermolysis bullosa simplex due to BP230 deficiency; Epidermolysis bullosa simplex, autosomal recessive 2. Identifiers: Orphanet 412181, MedGen C3809470, MONDO:0014180, OMIM 615425.
Hereditary sensory and autonomic neuropathy type 6. Also called: Neuropathy, hereditary sensory and autonomic, type VI; HSAN VI. Identifiers: Orphanet 314381, MedGen C3539003, MONDO:0013839, OMIM 614653.

Submission:

Labcorp Genetics (formerly Invitae), Labcorp
Classification: Uncertain significance for Epidermolysis bullosa simplex 3, localized or generalized intermediate, with BP230 deficiency; Hereditary sensory and autonomic neuropathy type 6. Last evaluated: 2023-08-04. Review status: criteria provided, single submitter. Criteria: Invitae Variant Classification Sherloc (09022015). Collection method: clinical testing. Allele origin: germline.
Comment: In summary, the available evidence is currently insufficient to determine the role of this variant in disease. Therefore, it has been classified as a Variant of Uncertain Significance. An algorithm developed to predict the effect of missense changes on protein structure and function (PolyPhen-2) suggests that this variant is likely to be tolerated. ClinVar contains an entry for this variant (Variation ID: 859881). This variant has not been reported in the literature in individuals affected with DST-related conditions. This variant is not present in population databases (gnomAD no frequency). This sequence change replaces threonine, which is neutral and polar, with serine, which is neutral and polar, at codon 638 of the DST protein (p.Thr638Ser).